The following is an entry in ClinVar:

NM_001374675.1(HSF4):c.347G>A (p.Arg116His)

Gene: HSF4 (heat shock transcription factor 4; plus strand). Cytogenetic location: 16q22.1.
Variant type: single nucleotide variant.
Coding change: c.347G>A on transcript NM_001374675.1 (MANE Select); coding-DNA position 347, G replaced by A.
Protein change: p.Arg116His; replaces arginine 116 with histidine.
Molecular consequence: missense variant.
Genome position (GRCh38, 1-based): chr16:67,165,833, G>A. VCF-style: chr16-67165833-G-A. GRCh37 (hg19) VCF-style: chr16-67199736-G-A.
Other names: c.347G>A, p.Arg116His (NM_001040667.3, NM_001374674.1, NM_001538.4); short protein forms R116H.
Identifiers: ClinVar variation 884592 (VCV000884592.6), dbSNP rs79121622, ClinGen allele CA8101787.

ClinVar aggregate classification (germline): Benign. Review status: criteria provided, single submitter (1 of 4 stars). 2 submissions from 2 submitters: Benign (1). 1 of the submissions does not count toward it. Last evaluated 2017-11-15.

Conditions:
HSF4-related disorder. Also called: HSF4-related condition.
Cataract 5 multiple types (CTRCT5). Also called: CATARACT 5, LAMELLAR; Lamellar cataract; CATARACT, MARNER TYPE. Identifiers: Orphanet 91492, MedGen C0266537, MONDO:0007290, OMIM 116800, HP:0007971.

Allele frequency attached by ClinVar (database versions not stated): gnomAD 0.00009 and 0.00014; TOPMed 0.00023; gnomAD exomes 0.00033; ExAC 0.00037; 1000 Genomes Project 0.00040; 1000 Genomes Project 30x 0.00078.

Submissions (2):

Illumina Laboratory Services, Illumina
Classification: Benign for Cataract 5 multiple types. Last evaluated: 2017-11-15. Review status: criteria provided, single submitter. Criteria: ICSL Variant Classification Criteria 13 December 2019. Collection method: clinical testing. Allele origin: germline.
Comment: This variant was observed as part of a predisposition screen in an ostensibly healthy population. A literature search was performed for the gene, cDNA change, and amino acid change (where applicable). Publications were found based on this search. The evidence from the literature, in combination with allele frequency data from public databases where available, was sufficient to rule this variant out of causing disease. Therefore, this variant is classified as benign.

PreventionGenetics, part of Exact Sciences
Classification: Likely benign for HSF4-related condition. Last evaluated: 2019-07-31. Review status: no assertion criteria provided. Collection method: clinical testing. Allele origin: germline. Not counted in ClinVar's aggregate classification.
Comment: This variant is classified as likely benign based on ACMG/AMP sequence variant interpretation guidelines (Richards et al. 2015 PMID: 25741868, with internal and published modifications).

Literature cited by the submitters: PubMed 24975927 (cited by Illumina Laboratory Services, Illumina); PubMed 20670914 (cited by Illumina Laboratory Services, Illumina); PubMed 18941546 (cited by Illumina Laboratory Services, Illumina).